The following is an entry in ClinVar:

NM_000081.4(LYST):c.8973C>G (p.Tyr2991Ter)

Gene: LYST (lysosomal trafficking regulator; minus strand). Cytogenetic location: 1q42.3.
Variant type: single nucleotide variant.
Coding change: c.8973C>G on transcript NM_000081.4 (MANE Select); coding-DNA position 8973, C replaced by G.
Protein change: p.Tyr2991Ter; replaces tyrosine 2991 with a stop codon.
Molecular consequence: nonsense.
Genome position (GRCh38, 1-based): chr1:235,730,918, G>C on the plus strand (C>G on the coding strand, the complement: LYST is on the minus strand). VCF-style: chr1-235730918-G-C. GRCh37 (hg19) VCF-style: chr1-235894218-G-C.
Other names: c.8973C>G, p.Tyr2991Ter (NM_001301365.1); short protein forms Y2991*.
Identifiers: ClinVar variation 3655171 (VCV003655171.2).
Genomic context (GRCh38, chr1:235,730,918, plus strand): 5'-ACTTGCAGCTTTGTCTTTGACAGTAGAAGAGAAAGAAGAATGAGTTTTGTCTTCAAACAG[G>C]TAAGAGAGTGGTGGTTTGACAACATCTGTTGAGGAGAAAAGTAAATATTATCTTTATCTA-3'

ClinVar aggregate classification (germline): Pathogenic (1 of 4 stars; one submission).

Conditions:
Chédiak-Higashi syndrome (CHS). Also called: Chediak-Higashi Syndrome. Identifiers: Orphanet 167, MedGen C0007965, MONDO:0008963, OMIM 214500.

Submission:

Labcorp Genetics (formerly Invitae), Labcorp
Classification: Pathogenic for Chédiak-Higashi syndrome. Last evaluated: 2024-06-01. Review status: criteria provided, single submitter. Criteria: Invitae Variant Classification Sherloc (09022015). Collection method: clinical testing. Allele origin: germline.
Comment: This sequence change creates a premature translational stop signal (p.Tyr2991*) in the LYST gene. It is expected to result in an absent or disrupted protein product. Loss-of-function variants in LYST are known to be pathogenic (PMID: 9215679, 11857544). This variant is not present in population databases (gnomAD no frequency). This variant has not been reported in the literature in individuals affected with LYST-related conditions. For these reasons, this variant has been classified as Pathogenic.

Literature cited by the submitters: PubMed 9215679; PubMed 11857544.